The following is an entry in ClinVar:

ClinVar aggregate classification (germline): Uncertain significance. Review status: criteria provided, multiple submitters, no conflicts (2 of 4 stars). 2 submissions from 2 submitters: Uncertain significance (2). Last evaluated 2026-01-14.

Conditions:
Cardiovascular phenotype. Identifiers: MedGen CN230736.
Progressive familial heart block type IB (PFHB1B). Identifiers: Orphanet 871, MedGen C1970298, MONDO:0011474, OMIM 604559.

Allele frequency attached by ClinVar (database versions not stated): gnomAD exomes below 0.00001; TOPMed 0.00001; gnomAD 0.00002.
gnomAD v4.1: 18 of 1,613,588 alleles (0.0011%); highest among the groups gnomAD compares: African/African-American, 0.0027%; no homozygotes.

Submissions (2):

Labcorp Genetics (formerly Invitae), Labcorp
Classification: Uncertain significance for Progressive familial heart block type IB. Last evaluated: 2026-01-14. Review status: criteria provided, single submitter. Criteria: Invitae Variant Classification Sherloc (09022015). Collection method: clinical testing. Allele origin: germline.
Comment: This sequence change replaces arginine, which is basic and polar, with glutamine, which is neutral and polar, at codon 1141 of the TRPM4 protein (p.Arg1141Gln). The frequency data for this variant in the population databases is considered unreliable, as metrics indicate poor data quality at this position in the gnomAD database. This variant has not been reported in the literature in individuals affected with TRPM4-related conditions. ClinVar contains an entry for this variant (Variation ID: 1413861). An algorithm developed to predict the effect of missense changes on protein structure and function (PolyPhen-2) suggests that this variant is likely to be disruptive. In summary, the available evidence is currently insufficient to determine the role of this variant in disease. Therefore, it has been classified as a Variant of Uncertain Significance.

Ambry Genetics
Classification: Uncertain significance for Cardiovascular phenotype. Last evaluated: 2024-09-26. Review status: criteria provided, single submitter. Criteria: Ambry Variant Classification Scheme 2023. Collection method: clinical testing. Allele origin: germline.

NM_017636.4(TRPM4):c.3422G>A (p.Arg1141Gln)

Gene: TRPM4 (transient receptor potential cation channel subfamily M member 4; plus strand). Cytogenetic location: 19q13.33.
Variant type: single nucleotide variant.
Coding change: c.3422G>A on transcript NM_017636.4 (MANE Select); coding-DNA position 3422, G replaced by A.
Protein change: p.Arg1141Gln; replaces arginine 1141 with glutamine.
Molecular consequence: missense variant.
Genome position (GRCh38, 1-based): chr19:49,210,803, G>A. VCF-style: chr19-49210803-G-A. GRCh37 (hg19) VCF-style: chr19-49714060-G-A.
Other names: c.3422G>A (NM_017636.3); c.2987G>A, p.Arg996Gln (NM_001195227.2); c.3077G>A, p.Arg1026Gln (NM_001321281.2); c.1814G>A, p.Arg605Gln (NM_001321282.2); c.2900G>A, p.Arg967Gln (NM_001321283.2); c.2360G>A, p.Arg787Gln (NM_001321285.2); short protein forms R1141Q, R996Q, R605Q, R787Q, R1026Q, R967Q.
Identifiers: ClinVar variation 1413861 (VCV001413861.10), dbSNP rs954548302, ClinGen allele CA406773173.
Genomic context (GRCh38, chr19:49,210,803, plus strand): 5'-TGCTAACGTGGGAATCGGTGCATAAGGAGAACTTTCTGCTGGCACGCGCTAGGGACAAGC[G>A]GGAGAGCGACTCCGAGCGTCTGAAGCGCACGTCCCAGAAGTGAGAGCGGGGCCTGGTCGG-3'
Protein context (NP_060106.2, residues 1131-1151): NFLLARARDK[Arg1141Gln]ESDSERLKRT